The following is an entry in ClinVar:

ClinVar aggregate classification (germline): Uncertain significance. Review status: criteria provided, multiple submitters, no conflicts (2 of 4 stars). 2 submissions from 2 submitters: Uncertain significance (2). Last evaluated 2025-11-16.

Allele frequency attached by ClinVar (database versions not stated): ESP Exome Variant Server 0.00008.

Submissions (2):

Labcorp Genetics (formerly Invitae), Labcorp
Classification: Uncertain significance. Last evaluated: 2025-11-16. Review status: criteria provided, single submitter. Criteria: Invitae Variant Classification Sherloc (09022015). Collection method: clinical testing. Allele origin: germline.
Comment: This sequence change replaces alanine, which is neutral and non-polar, with threonine, which is neutral and polar, at codon 239 of the GATA5 protein (p.Ala239Thr). The frequency data for this variant in the population databases is considered unreliable, as metrics indicate poor data quality at this position in the gnomAD database. This variant has not been reported in the literature in individuals affected with GATA5-related conditions. ClinVar contains an entry for this variant (Variation ID: 2652497). Invitae Evidence Modeling of protein sequence and biophysical properties (such as structural, functional, and spatial information, amino acid conservation, physicochemical variation, residue mobility, and thermodynamic stability) indicates that this missense variant is not expected to disrupt GATA5 protein function with a negative predictive value of 80%. In summary, the available evidence is currently insufficient to determine the role of this variant in disease. Therefore, it has been classified as a Variant of Uncertain Significance.

CeGaT Center for Human Genetics Tuebingen
Classification: Uncertain significance. Last evaluated: 2023-02-01. Review status: criteria provided, single submitter. Criteria: CeGaT Center For Human Genetics Tuebingen Variant Classification Criteria Version 2. Collection method: clinical testing. Allele origin: germline. Affected: yes. Observed: 1 variant allele.
Comment: GATA5: PM2

NM_080473.5(GATA5):c.715G>A (p.Ala239Thr)

Gene: GATA5 (GATA binding protein 5; minus strand). Cytogenetic location: 20q13.33.
Variant type: single nucleotide variant.
Coding change: c.715G>A on transcript NM_080473.5 (MANE Select); coding-DNA position 715, G replaced by A.
Protein change: p.Ala239Thr; replaces alanine 239 with threonine.
Molecular consequence: missense variant.
Genome position (GRCh38, 1-based): chr20:62,466,536, C>T on the plus strand (G>A on the coding strand, the complement: GATA5 is on the minus strand). VCF-style: chr20-62466536-C-T. GRCh37 (hg19) VCF-style: chr20-61041592-C-T.
Other names: short protein forms A239T.
Identifiers: ClinVar variation 2652497 (VCV002652497.27), dbSNP rs139687383, ClinGen allele CA317286274.